The following is an entry in ClinVar:

ClinVar aggregate classification (germline): Uncertain significance. Review status: criteria provided, multiple submitters, no conflicts (2 of 4 stars). 2 submissions from 2 submitters: Uncertain significance (2). Last evaluated 2024-10-08.

Conditions:
Fabry disease. Also called: Fabry's disease; Ceramide trihexosidosis; Angiokeratoma corporis diffusum; ALPHA-GALACTOSIDASE A DEFICIENCY; ANDERSON-FABRY DISEASE; CERAMIDE TRIHEXOSIDASE DEFICIENCY. Identifiers: Orphanet 324, MedGen C0002986, MONDO:0010526, OMIM 301500, HP:0001071. Disease mechanism: Fabry disease is due to inactivating mutations in the X-linked GLA gene resulting in deficiency of the enzyme Alpha Galactosidase-A., loss of function.

Submissions (2):

Revvity Omics, Revvity
Classification: Uncertain significance. Last evaluated: 2024-10-08. Review status: criteria provided, single submitter. Criteria: ACMG Guidelines, 2015. Collection method: clinical testing. Allele origin: germline.

Labcorp Genetics (formerly Invitae), Labcorp
Classification: Uncertain significance for Fabry disease. Last evaluated: 2022-03-18. Review status: criteria provided, single submitter. Criteria: Invitae Variant Classification Sherloc (09022015). Collection method: clinical testing. Allele origin: germline.
Comment: This sequence change replaces serine, which is neutral and polar, with proline, which is neutral and non-polar, at codon 188 of the GLA protein (p.Ser188Pro). In summary, the available evidence is currently insufficient to determine the role of this variant in disease. Therefore, it has been classified as a Variant of Uncertain Significance. Algorithms developed to predict the effect of missense changes on protein structure and function are either unavailable or do not agree on the potential impact of this missense change (SIFT: "Tolerated"; PolyPhen-2: "Probably Damaging"; Align-GVGD: "Class C0"). This missense change has been observed in individual(s) with Fabry disease (Invitae). This variant is not present in population databases (gnomAD no frequency).

NM_000169.3(GLA):c.562T>C (p.Ser188Pro)

Genes: GLA (galactosidase alpha; minus strand), RPL36A-HNRNPH2 (RPL36A-HNRNPH2 readthrough; plus strand). Cytogenetic location: Xq22.1.
Variant type: single nucleotide variant.
Coding change: c.562T>C on transcript NM_000169.3 (MANE Select); coding-DNA position 562, T replaced by C.
Protein change: p.Ser188Pro; replaces serine 188 with proline.
Molecular consequence: missense variant. On other transcripts: non-coding transcript variant (2), intron variant (2).
Genome position (GRCh38, 1-based): chrX:101,400,743, A>G on the plus strand (T>C on the coding strand, the complement: GLA is on the minus strand). VCF-style: chrX-101400743-A-G. GRCh37 (hg19) VCF-style: chrX-100655731-A-G.
Other names: c.685T>C, p.Ser229Pro (NM_001406747.1); c.562T>C, p.Ser188Pro (NM_001406748.1); c.300+5286A>G (NM_001199973.2); c.177+8921A>G (NM_001199974.2); short protein forms S188P, S229P.
Identifiers: ClinVar variation 1353179 (VCV001353179.7), dbSNP rs1555985579, ClinGen allele CA413927859.